The following is an entry in ClinVar:

ClinVar aggregate classification (germline): Conflicting classifications of pathogenicity. Review status: criteria provided, conflicting classifications (1 of 4 stars). 3 submissions from 3 submitters: Uncertain significance (1); Likely benign (2). Last evaluated 2024-11-24.

Conditions:
Hereditary cancer-predisposing syndrome. Also called: Neoplastic Syndromes, Hereditary; Hereditary Cancer Syndrome; Tumor predisposition; Hereditary neoplastic syndrome. Identifiers: Orphanet 140162, MedGen C0027672, MeSH D009386, MONDO:0015356.
BAP1-related tumor predisposition syndrome (TPDS1). Also called: BAP1 tumor predisposition syndrome; Tumor susceptibility linked to germline BAP1 mutations; COMMON Syndrome; TUMOR PREDISPOSITION SYNDROME 1. Identifiers: Orphanet 289539, MedGen C3280492, MONDO:0013692, OMIM 614327.

Submissions (3):

Ambry Genetics
Classification: Likely benign for Hereditary cancer-predisposing syndrome. Last evaluated: 2024-11-24. Review status: criteria provided, single submitter. Criteria: Ambry Variant Classification Scheme 2023. Collection method: clinical testing. Allele origin: germline.

Labcorp Genetics (formerly Invitae), Labcorp
Classification: Likely benign for BAP1-related tumor predisposition syndrome. Last evaluated: 2023-10-09. Review status: criteria provided, single submitter. Criteria: Invitae Variant Classification Sherloc (09022015). Collection method: clinical testing. Allele origin: germline.

GeneDx
Classification: Uncertain significance. Last evaluated: 2022-06-03. Review status: criteria provided, single submitter. Criteria: GeneDx Variant Classification Process June 2021. Collection method: clinical testing. Allele origin: germline. Affected: yes.
Comment: Not observed at significant frequency in large population cohorts (gnomAD); In silico analysis supports that this variant does not alter splicing; Has not been previously published as pathogenic or benign to our knowledge

NM_004656.4(BAP1):c.1395C>T (p.Ile465=)

Gene: BAP1 (BRCA1 associated deubiquitinase 1; minus strand). Cytogenetic location: 3p21.1.
Variant type: single nucleotide variant.
Coding change: c.1395C>T on transcript NM_004656.4 (MANE Select); coding-DNA position 1395, C replaced by T.
Protein change: p.Ile465=; no amino-acid change (isoleucine 465 retained).
Molecular consequence: synonymous variant.
Genome position (GRCh38, 1-based): chr3:52,403,750, G>A on the plus strand (C>T on the coding strand, the complement: BAP1 is on the minus strand). VCF-style: chr3-52403750-G-A. GRCh37 (hg19) VCF-style: chr3-52437766-G-A.
Other names: c.1395C>T (NM_004656.2).
Identifiers: ClinVar variation 767134 (VCV000767134.9), dbSNP rs1578220985, ClinGen allele CA433886347.